The following is an entry in ClinVar:

NM_016169.4(SUFU):c.965C>T (p.Pro322Leu)

Gene: SUFU (SUFU negative regulator of hedgehog signaling; plus strand). Cytogenetic location: 10q24.32.
Variant type: single nucleotide variant.
Coding change: c.965C>T on transcript NM_016169.4 (MANE Select); coding-DNA position 965, C replaced by T.
Protein change: p.Pro322Leu; replaces proline 322 with leucine.
Molecular consequence: missense variant.
Genome position (GRCh38, 1-based): chr10:102,599,487, C>T. VCF-style: chr10-102599487-C-T. GRCh37 (hg19) VCF-style: chr10-104359244-C-T.
Other names: c.965C>T, p.Pro322Leu (NM_001178133.2); short protein forms P322L.
Identifiers: ClinVar variation 2952791 (VCV002952791.3), dbSNP rs2135888788, ClinGen allele CA377911103.

ClinVar aggregate classification (germline): Uncertain significance (1 of 4 stars; one submission).

Conditions:
Medulloblastoma (MDB). Also called: MEDULLOBLASTOMA PREDISPOSITION SYNDROME; Medulloblastoma, somatic. Identifiers: Orphanet 616, MedGen C0025149, MeSH D008527, MONDO:0007959, OMIM 155255, HP:0002885.
Gorlin syndrome. Also called: Nevoid Basal Cell Carcinoma Syndrome; Basal cell nevus syndrome. Identifiers: Orphanet 377, MedGen C0004779, MONDO:0007187.

Allele frequency attached by ClinVar (database versions not stated): gnomAD exomes below 0.00001.
gnomAD v4.1: 1 of 1,614,230 alleles (0.000062%); highest among the groups gnomAD compares: Non-Finnish European, 0.000085%; no homozygotes.

Submission:

Labcorp Genetics (formerly Invitae), Labcorp
Classification: Uncertain significance for Gorlin syndrome; Medulloblastoma. Last evaluated: 2023-10-12. Review status: criteria provided, single submitter. Criteria: Invitae Variant Classification Sherloc (09022015). Collection method: clinical testing. Allele origin: germline.
Comment: This sequence change replaces proline, which is neutral and non-polar, with leucine, which is neutral and non-polar, at codon 322 of the SUFU protein (p.Pro322Leu). This variant is not present in population databases (gnomAD no frequency). This variant has not been reported in the literature in individuals affected with SUFU-related conditions. Advanced modeling of protein sequence and biophysical properties (such as structural, functional, and spatial information, amino acid conservation, physicochemical variation, residue mobility, and thermodynamic stability) performed at Invitae indicates that this missense variant is not expected to disrupt SUFU protein function. In summary, the available evidence is currently insufficient to determine the role of this variant in disease. Therefore, it has been classified as a Variant of Uncertain Significance.